The following is an entry in ClinVar:

ClinVar aggregate classification (germline): Uncertain significance (1 of 4 stars; one submission).

gnomAD v4.1: 23 of 1,614,068 alleles (0.0014%); highest among the groups gnomAD compares: Non-Finnish European, 0.0019%; no homozygotes.

Submission:

Labcorp Genetics (formerly Invitae), Labcorp
Classification: Uncertain significance. Last evaluated: 2024-08-20. Review status: criteria provided, single submitter. Criteria: Invitae Variant Classification Sherloc (09022015). Collection method: clinical testing. Allele origin: germline.
Comment: This sequence change falls in intron 11 of the TRIM28 gene. It does not directly change the encoded amino acid sequence of the TRIM28 protein. It affects a nucleotide within the consensus splice site. This variant is present in population databases (rs754776680, gnomAD 0.0009%). This variant has not been reported in the literature in individuals affected with TRIM28-related conditions. Variants that disrupt the consensus splice site are a relatively common cause of aberrant splicing (PMID: 17576681, 9536098). Algorithms developed to predict the effect of sequence changes on RNA splicing suggest that this variant is not likely to affect RNA splicing. In summary, the available evidence is currently insufficient to determine the role of this variant in disease. Therefore, it has been classified as a Variant of Uncertain Significance.

Literature cited by the submitters: PubMed 17576681; PubMed 9536098.

NM_005762.3(TRIM28):c.1410-3C>T

Gene: TRIM28 (tripartite motif containing 28; plus strand). Cytogenetic location: 19q13.43.
Variant type: single nucleotide variant.
Coding change: c.1410-3C>T on transcript NM_005762.3 (MANE Select); 3 bases into the intron before coding-DNA position 1410, C replaced by T.
Molecular consequence: intron variant.
Genome position (GRCh38, 1-based): chr19:58,548,985, C>T. VCF-style: chr19-58548985-C-T. GRCh37 (hg19) VCF-style: chr19-59060352-C-T.
Identifiers: ClinVar variation 3632190 (VCV003632190.2).